The following is an entry in ClinVar:

NM_030662.4(MAP2K2):c.1021G>T (p.Asp341Tyr)

Gene: MAP2K2 (mitogen-activated protein kinase kinase 2; minus strand). Cytogenetic location: 19p13.3.
Variant type: single nucleotide variant.
Coding change: c.1021G>T on transcript NM_030662.4 (MANE Select); coding-DNA position 1021, G replaced by T.
Protein change: p.Asp341Tyr; replaces aspartic acid 341 with tyrosine.
Molecular consequence: missense variant.
Genome position (GRCh38, 1-based): chr19:4,095,413, C>A on the plus strand (G>T on the coding strand, the complement: MAP2K2 is on the minus strand). VCF-style: chr19-4095413-C-A. GRCh37 (hg19) VCF-style: chr19-4095411-C-A.
Other names: short protein forms D341Y.
Identifiers: ClinVar variation 3906711 (VCV003906711.2).
Genomic context (GRCh38, chr19:4,095,413, plus strand): 5'-CCGGCCAGGGGTGTGGGCAGCCCGGCTCCACCTACCATTTATTGACAAACTCCTGGAAGT[C>A]GGGGGTGAACACACCGTTGGGCAGCTTAGGAGGTGGCTGTGGAGGAGAACAGAGGGTGGG-3'
Protein context (NP_109587.1, residues 331-351): PKLPNGVFTP[Asp341Tyr]FQEFVNKCLI

ClinVar aggregate classification (germline): Uncertain significance. Review status: criteria provided, multiple submitters, no conflicts (2 of 4 stars). 2 submissions from 2 submitters: Uncertain significance (2). Last evaluated 2024-12-17.

gnomAD v4.1: 7 of 1,551,248 alleles (0.00045%); highest among the groups gnomAD compares: Middle Eastern, 0.033%; no homozygotes.

Submissions (2):

GeneDx
Classification: Uncertain significance. Last evaluated: 2024-12-17. Review status: criteria provided, single submitter. Criteria: GeneDx Variant Classification Process June 2021. Collection method: clinical testing. Allele origin: germline. Affected: yes.
Comment: Missense variants in this gene are a common cause of disease and they are underrepresented in the general population; In silico analysis supports that this missense variant has a deleterious effect on protein structure/function; Has not been previously published as pathogenic or benign to our knowledge

Blueprint Genetics
Classification: Uncertain significance. Last evaluated: 2024-06-18. Review status: criteria provided, single submitter. Criteria: ACMG Guidelines, 2015. Collection method: clinical testing. Allele origin: germline.